The following is an entry in ClinVar:

ClinVar aggregate classification (germline): Pathogenic (1 of 4 stars; one submission).

Conditions:
Juvenile polyposis/hereditary hemorrhagic telangiectasia syndrome (JPHT). Also called: Juvenile Polyposis Syndrome / Hereditary Hemorrhagic Telangiectasia (JPS/HHT); JP/HHT SYNDROME; JUVENILE POLYPOSIS WITH HEREDITARY HEMORRHAGIC TELANGIECTASIA; POLYPOSIS, GENERALIZED JUVENILE, WITH PULMONARY ARTERIOVENOUS MALFORMATION; TELANGIECTASIA, HEREDITARY HEMORRHAGIC, WITH JUVENILE POLYPOSIS COLI. Identifiers: Orphanet 2929, MedGen C1832942, MONDO:0008278, OMIM 175050.

Submission:

Myriad Genetics, Inc.
Classification: Pathogenic for Juvenile polyposis/hereditary hemorrhagic telangiectasia syndrome. Last evaluated: 2024-02-09. Review status: criteria provided, single submitter. Criteria: Myriad Autosomal Dominant, Autosomal Recessive and X-Linked Classification Criteria (2023). Collection method: clinical testing. Allele origin: unknown.
Comment: This variant is considered pathogenic. This variant creates a frameshift predicted to result in premature protein truncation.

NM_005359.6(SMAD4):c.803_804insCTAAGTGGTAGTAG (p.Trp268delinsCysTer)

Gene: SMAD4 (SMAD family member 4; plus strand). Cytogenetic location: 18q21.2.
Variant type: Insertion.
Coding change: c.803_804insCTAAGTGGTAGTAG on transcript NM_005359.6 (MANE Select); coding-DNA positions 803 to 804, CTAAGTGGTAGTAG inserted.
Protein change: p.Trp268delinsCysTer.
Molecular consequence: nonsense. On other transcripts: non-coding transcript variant (2).
Genome position: GRCh38 VCF-style: chr18-51058354-T-TGCTAAGTGGTAGTA. GRCh37 (hg19) VCF-style: chr18-48584724-T-TGCTAAGTGGTAGTA.
Other names: c.803_804insCTAAGTGGTAGTAG, p.Trp268delinsCysTer (NM_001407041.1, NM_001407042.1, NM_001407043.1).
Identifiers: ClinVar variation 3148572 (VCV003148572.1), dbSNP rs2511377165, ClinGen allele CA2825002694.